The following is an entry in ClinVar:

ClinVar aggregate classification (germline): Uncertain significance (1 of 4 stars; one submission).

Conditions:
Genitopatellar syndrome (GTPTS). Also called: ABSENT PATELLAE, SCROTAL HYPOPLASIA, RENAL ANOMALIES, FACIAL DYSMORPHISM, AND MENTAL RETARDATION; Genitopatellar syndrome (GPS). Identifiers: Orphanet 85201, MedGen C1853566, MONDO:0011640, OMIM 606170.

Submission:

Labcorp Genetics (formerly Invitae), Labcorp
Classification: Uncertain significance for Genitopatellar syndrome. Last evaluated: 2022-07-11. Review status: criteria provided, single submitter. Criteria: Invitae Variant Classification Sherloc (09022015). Collection method: clinical testing. Allele origin: germline.
Comment: In summary, the available evidence is currently insufficient to determine the role of this variant in disease. Therefore, it has been classified as a Variant of Uncertain Significance. Algorithms developed to predict the effect of missense changes on protein structure and function are either unavailable or do not agree on the potential impact of this missense change (SIFT: "Tolerated"; PolyPhen-2: "Possibly Damaging"; Align-GVGD: "Class C0"). This variant has not been reported in the literature in individuals affected with KAT6B-related conditions. This variant is not present in population databases (gnomAD no frequency). This sequence change replaces aspartic acid, which is acidic and polar, with histidine, which is basic and polar, at codon 1480 of the KAT6B protein (p.Asp1480His).

NM_012330.4(KAT6B):c.4438G>C (p.Asp1480His)

Gene: KAT6B (lysine acetyltransferase 6B; plus strand). Cytogenetic location: 10q22.2.
Variant type: single nucleotide variant.
Coding change: c.4438G>C on transcript NM_012330.4 (MANE Select); coding-DNA position 4438, G replaced by C.
Protein change: p.Asp1480His; replaces aspartic acid 1480 with histidine.
Molecular consequence: missense variant.
Genome position (GRCh38, 1-based): chr10:75,029,262, G>C. VCF-style: chr10-75029262-G-C. GRCh37 (hg19) VCF-style: chr10-76789020-G-C.
Other names: c.3889G>C, p.Asp1297His (NM_001256468.2, NM_001370138.1); c.3562G>C, p.Asp1188His (NM_001256469.2, NM_001370139.1, NM_001370140.1 and 2 more transcripts); c.3400G>C, p.Asp1134His (NM_001370132.1); c.2749G>C, p.Asp917His (NM_001370133.1); c.2353G>C, p.Asp785His (NM_001370134.1); c.2095G>C, p.Asp699His (NM_001370135.1); c.4438G>C, p.Asp1480His (NM_001370136.1, NM_001370137.1); c.3373G>C, p.Asp1125His (NM_001370143.1, NM_001370144.1); short protein forms D1188H, D699H, D785H, D1125H, D1480H, D917H, D1134H, D1297H.
Identifiers: ClinVar variation 2088212 (VCV002088212.4), dbSNP rs868347104, ClinGen allele CA377297028.